The following is an entry in ClinVar:

NM_025114.4(CEP290):c.292_293insA (p.Leu98fs)

Gene: CEP290 (centrosomal protein 290; minus strand). Cytogenetic location: 12q21.32.
Variant type: Insertion.
Coding change: c.292_293insA on transcript NM_025114.4 (MANE Select); coding-DNA positions 292 to 293, A inserted.
Protein change: p.Leu98fs; shifts the reading frame from leucine 98.
Molecular consequence: frameshift variant.
Genome position: GRCh38 VCF-style: chr12-88139149-A-AT. GRCh37 (hg19) VCF-style: chr12-88532926-A-AT.
Other names: short protein forms L98fs.
Identifiers: ClinVar variation 969960 (VCV000969960.9), dbSNP rs2040497202, ClinGen allele CA1139662795.
Genomic context (GRCh38, chr12:88,139,149, plus strand): 5'-ACAATTCAAAATAAAATTAATGACAATTACATCCTAGGGAATACAAAAAGACATACCTCC[A>AT]GTTCATTTTCCAGTTTCATTACTTTAGTTTTTAATTGATTTTCTATTTTTTTAAAAAAAA-3'

ClinVar aggregate classification (germline): Pathogenic/Likely pathogenic. Review status: criteria provided, multiple submitters, no conflicts (2 of 4 stars). 2 submissions from 2 submitters: Pathogenic (1); Likely pathogenic (1). Last evaluated 2023-02-09.

Conditions:
Meckel-Gruber syndrome. Also called: Dysencephalia splachnocystica; DYSENCEPHALIA SPLANCHNOCYSTICA; GRUBER SYNDROME. Identifiers: Orphanet 564, MedGen C0265215, MONDO:0018921.
Nephronophthisis. Also called: Juvenile Nephronophthisis. Identifiers: Orphanet 655, MedGen C0687120, MONDO:0019005, HP:0000090.
Joubert syndrome. Also called: Familial aplasia of the vermis; CEREBELLOPARENCHYMAL DISORDER IV; JOUBERT-BOLTSHAUSER SYNDROME. Identifiers: Orphanet 475, MedGen C5979921, MONDO:0018772.
Bardet-Biedl syndrome 14 (BBS14). Identifiers: Orphanet 110, MedGen C2673874, MONDO:0014442, OMIM 615991.

Submissions (2):

Baylor Genetics
Classification: Likely pathogenic for Bardet-Biedl syndrome 14. Last evaluated: 2023-02-09. Review status: criteria provided, single submitter. Criteria: ACMG Guidelines, 2015. Collection method: clinical testing. Allele origin: unknown.

Labcorp Genetics (formerly Invitae), Labcorp
Classification: Pathogenic for Joubert syndrome; Meckel-Gruber syndrome; Nephronophthisis. Last evaluated: 2019-11-15. Review status: criteria provided, single submitter. Criteria: Invitae Variant Classification Sherloc (09022015). Collection method: clinical testing. Allele origin: germline.
Comment: This variant is not present in population databases (ExAC no frequency). This sequence change creates a premature translational stop signal (p.Leu98Hisfs*18) in the CEP290 gene. It is expected to result in an absent or disrupted protein product. This variant has not been reported in the literature in individuals with CEP290-related conditions. Loss-of-function variants in CEP290 are known to be pathogenic (PMID: 16909394, 17345604, 20690115, 25377065, 28559085). For these reasons, this variant has been classified as Pathogenic.

Literature cited by the submitters: PubMed 16909394 (cited by Labcorp Genetics (formerly Invitae), Labcorp); PubMed 17345604 (cited by Labcorp Genetics (formerly Invitae), Labcorp); PubMed 20690115 (cited by Labcorp Genetics (formerly Invitae), Labcorp); PubMed 25377065 (cited by Labcorp Genetics (formerly Invitae), Labcorp); PubMed 28559085 (cited by Labcorp Genetics (formerly Invitae), Labcorp).